The following is an entry in ClinVar:

ClinVar aggregate classification (germline): Conflicting classifications of pathogenicity. Review status: criteria provided, conflicting classifications (1 of 4 stars). 4 submissions from 4 submitters: Likely pathogenic (3); Uncertain significance (1). Last evaluated 2025-09-11.

Conditions:
Cardiovascular phenotype. Identifiers: MedGen CN230736.
Hypertrophic cardiomyopathy. Also called: HYPERTROPHIC MYOCARDIOPATHY. Identifiers: Orphanet 217569, MedGen C0007194, MeSH D002312, MONDO:0005045, HP:0001639.
Cardiomyopathy (CMYO). Also called: Cardiomyopathies. Identifiers: Orphanet 167848, MedGen C0878544, MONDO:0004994, HP:0001638. Inheritance: Various modes of inheritance.

Allele frequency attached by ClinVar (database versions not stated): gnomAD exomes 0.00001.
gnomAD v4.1: 12 of 1,614,072 alleles (0.00074%); highest among the groups gnomAD compares: Non-Finnish European, 0.001%; no homozygotes.

Submissions (4):

Color Diagnostics, LLC DBA Color Health
Classification: Likely pathogenic for Cardiomyopathy. Last evaluated: 2025-09-11. Review status: criteria provided, single submitter. Criteria: ACMG Guidelines, 2015. Collection method: clinical testing. Allele origin: germline.
Comment: This missense variant replaces alanine with aspartic acid at codon 381 of the MYH7 protein. This variant is found within a highly conserved region of the myosin head domain. Missense variants in this region have been shown to be significantly overrepresented in individuals with affected with hypertrophic cardiomyopathy (PMID: 27532257). Computational prediction suggests that this variant may have deleterious impact on protein structure and function. To our knowledge, functional studies have not been reported for this variant. This variant has been reported in at least six individuals affected with hypertrophic cardiomyopathy (PMID: 27532257ClinVar: SCV006114123.1). This variant has not been identified in the general population by the Genome Aggregation Database (gnomAD). Based on the available evidence, this variant is classified as Likely Pathogenic.

Labcorp Genetics (formerly Invitae), Labcorp
Classification: Uncertain significance for Hypertrophic cardiomyopathy. Last evaluated: 2025-05-05. Review status: criteria provided, single submitter. Criteria: Invitae Variant Classification Sherloc (09022015). Collection method: clinical testing. Allele origin: germline.
Comment: This sequence change replaces alanine, which is neutral and non-polar, with aspartic acid, which is acidic and polar, at codon 381 of the MYH7 protein (p.Ala381Asp). This variant is not present in population databases (gnomAD no frequency). This missense change has been observed in individual(s) with hypertrophic cardiomyopathy (PMID: 27532257, 37652022). ClinVar contains an entry for this variant (Variation ID: 1059396). Invitae Evidence Modeling of protein sequence and biophysical properties (such as structural, functional, and spatial information, amino acid conservation, physicochemical variation, residue mobility, and thermodynamic stability) indicates that this missense variant is expected to disrupt MYH7 protein function with a positive predictive value of 95%. This variant is found within a region of MYH7 between codons 181 and 937 that contains the majority of the myosin head domain. Missense variants in this region have been shown to be significantly overrepresented in individuals with hypertrophic cardiomyopathy (PMID: 27532257). In summary, the available evidence is currently insufficient to determine the role of this variant in disease. Therefore, it has been classified as a Variant of Uncertain Significance.

Ambry Genetics
Classification: Likely pathogenic for Cardiovascular phenotype. Last evaluated: 2025-03-21. Review status: criteria provided, single submitter. Criteria: Ambry Variant Classification Scheme 2023. Collection method: clinical testing. Allele origin: germline.
Comment: The p.A381D variant (also known as c.1142C>A), located in coding exon 11 of the MYH7 gene, results from a C to A substitution at nucleotide position 1142. The alanine at codon 381 is replaced by aspartic acid, an amino acid with dissimilar properties. This alteration is located in the myosin head domain, which contains a statistically significant clustering of pathogenic missense variants (Homburger JR et al. Proc Natl Acad Sci U S A, 2016 06;113:6701-6; Walsh R et al. Genet Med, 2017 02;19:192-203; Ambry internal data). This variant was reported in individual(s) with features consistent with hypertrophic cardiomyopathy (Walsh R et al. Genet Med, 2017 Feb;19:192-203; Ambry internal data). This amino acid position is highly conserved in available vertebrate species. In addition, this alteration is predicted to be deleterious by in silico analysis. This variant is considered to be rare based on population cohorts in the Genome Aggregation Database (gnomAD). Based on the majority of available evidence to date, this variant is likely to be pathogenic.

Laboratory for Molecular Medicine, Mass General Brigham Personalized Medicine
Classification: Likely pathogenic for Hypertrophic cardiomyopathy. Last evaluated: 2019-10-14. Review status: criteria provided, single submitter. Criteria: ACMG Guidelines, 2015. Collection method: clinical testing. Allele origin: germline.
Comment: The p.Ala381Asp variant in MYH7 has been reported in 5 individuals with hypertrophic cardiomyopathy (Walsh 2017) and was absent from large population studies.Computational prediction tools and conservation analyses suggest that this variant may impact the protein, though this information is not predictive enough to determine pathogenicity. Of note, this variant lies in the head region of the protein and missense variants in this region are statistically more likely to be disease-associated (Walsh 2017). In summary, although additional studies are required to fully establish its clinical significance, this variant meets criteria to be classified as likely pathogenic for autosomal dominant HCM. ACMG/AMP Criteria applied: PM1, PM2, PS4_Supporting, PP3.

Literature cited by the submitters: PubMed 27532257 (cited by 4 submitters); PubMed 37652022 (cited by Labcorp Genetics (formerly Invitae), Labcorp).

NM_000257.4(MYH7):c.1142C>A (p.Ala381Asp)

Gene: MYH7 (myosin heavy chain 7; minus strand). Cytogenetic location: 14q11.2.
Variant type: single nucleotide variant.
Coding change: c.1142C>A on transcript NM_000257.4 (MANE Select); coding-DNA position 1142, C replaced by A.
Protein change: p.Ala381Asp; replaces alanine 381 with aspartic acid.
Molecular consequence: missense variant.
Genome position (GRCh38, 1-based): chr14:23,429,344, G>T on the plus strand (C>A on the coding strand, the complement: MYH7 is on the minus strand). VCF-style: chr14-23429344-G-T. GRCh37 (hg19) VCF-style: chr14-23898553-G-T.
Other names: short protein forms A381D.
Identifiers: ClinVar variation 1059396 (VCV001059396.11), dbSNP rs1265368591, ClinGen allele CA16616722.
Genomic context (GRCh38, chr14:23,429,344, plus strand): 5'-TGGCACAGCCCCTTGAGCAGGTCGGCTGAGTTCAGCCCCATGAGGTAGGCAGACTTGTCA[G>T]CCTCTGGAAGGAAAAGGCAAGTAGCAAAGTTGGTAAAGAGATGACTGCTGGCCAGGTGTG-3'
Protein context (NP_000248.2, residues 371-391): EQAEPDGTEE[Ala381Asp]DKSAYLMGLN